The following is an entry in ClinVar:

ClinVar aggregate classification (germline): Uncertain significance. Review status: criteria provided, multiple submitters, no conflicts (2 of 4 stars). 2 submissions from 2 submitters: Uncertain significance (2). Last evaluated 2025-11-05.

Conditions:
Cardiovascular phenotype. Identifiers: MedGen CN230736.

gnomAD v4.1: 1 of 1,614,090 alleles (0.000062%); highest among the groups gnomAD compares: Non-Finnish European, 0.000085%; no homozygotes.

Submissions (2):

Labcorp Genetics (formerly Invitae), Labcorp
Classification: Uncertain significance. Last evaluated: 2025-11-05. Review status: criteria provided, single submitter. Criteria: Invitae Variant Classification Sherloc (09022015). Collection method: clinical testing. Allele origin: germline.
Comment: This sequence change replaces aspartic acid, which is acidic and polar, with glutamic acid, which is acidic and polar, at codon 1560 of the ALPK3 protein (p.Asp1560Glu). This variant is not present in population databases (gnomAD no frequency). This variant has not been reported in the literature in individuals affected with ALPK3-related conditions. Invitae Evidence Modeling of protein sequence and biophysical properties (such as structural, functional, and spatial information, amino acid conservation, physicochemical variation, residue mobility, and thermodynamic stability) indicates that this missense variant is expected to disrupt ALPK3 protein function with a positive predictive value of 80%. In summary, the available evidence is currently insufficient to determine the role of this variant in disease. Therefore, it has been classified as a Variant of Uncertain Significance.

Ambry Genetics
Classification: Uncertain significance for Cardiovascular phenotype. Last evaluated: 2025-09-28. Review status: criteria provided, single submitter. Criteria: Ambry Variant Classification Scheme 2023. Collection method: clinical testing. Allele origin: germline.

NM_020778.5(ALPK3):c.4074C>A (p.Asp1358Glu)

Gene: ALPK3 (alpha kinase 3; plus strand). Cytogenetic location: 15q25.3.
Variant type: single nucleotide variant.
Coding change: c.4074C>A on transcript NM_020778.5 (MANE Select); coding-DNA position 4074, C replaced by A.
Protein change: p.Asp1358Glu; replaces aspartic acid 1358 with glutamic acid.
Molecular consequence: missense variant.
Genome position (GRCh38, 1-based): chr15:84,859,884, C>A. VCF-style: chr15-84859884-C-A. GRCh37 (hg19) VCF-style: chr15-85403115-C-A.
Other names: short protein forms D1358E.
Identifiers: ClinVar variation 4613529 (VCV004613529.2).
Genomic context (GRCh38, chr15:84,859,884, plus strand): 5'-CGTAGACTGCGGTGTGTATCGGTGCACCATCCACAATGAGCACGGCTCGGCCTCCACCGA[C>A]TTCTGCCTCAGCCCTGAGGGTGAGTGTGCCCCGCGGCCCGGGGTCTCAGCCTGGCCTGGC-3'
Protein context (NP_065829.4, residues 1348-1368): IHNEHGSAST[Asp1358Glu]FCLSPEVLSG